The following is an entry in ClinVar:

ClinVar aggregate classification (germline): Uncertain significance (1 of 4 stars; one submission).

Conditions:
RFT1-congenital disorder of glycosylation (CDG1N). Also called: CDG In; Congenital disorder of glycosylation type In; RFT1-CDG. Identifiers: Orphanet 244310, MedGen C2677590, MONDO:0012783, OMIM 612015.

Allele frequency attached by ClinVar (database versions not stated): TOPMed below 0.00001.

Submission:

Labcorp Genetics (formerly Invitae), Labcorp
Classification: Uncertain significance for RFT1-congenital disorder of glycosylation. Last evaluated: 2024-08-13. Review status: criteria provided, single submitter. Criteria: Invitae Variant Classification Sherloc (09022015). Collection method: clinical testing. Allele origin: germline.
Comment: This sequence change replaces isoleucine, which is neutral and non-polar, with valine, which is neutral and non-polar, at codon 432 of the RFT1 protein (p.Ile432Val). This variant is present in population databases (no rsID available, gnomAD no frequency). This variant has not been reported in the literature in individuals affected with RFT1-related conditions. ClinVar contains an entry for this variant (Variation ID: 1902925). Advanced modeling of protein sequence and biophysical properties (such as structural, functional, and spatial information, amino acid conservation, physicochemical variation, residue mobility, and thermodynamic stability) performed at Invitae indicates that this missense variant is not expected to disrupt RFT1 protein function with a negative predictive value of 80%. In summary, the available evidence is currently insufficient to determine the role of this variant in disease. Therefore, it has been classified as a Variant of Uncertain Significance.

NM_052859.4(RFT1):c.1294A>G (p.Ile432Val)

Gene: RFT1 (RFT1 glycolipid translocator homolog; minus strand). Cytogenetic location: 3p21.1.
Variant type: single nucleotide variant.
Coding change: c.1294A>G on transcript NM_052859.4 (MANE Select); coding-DNA position 1294, A replaced by G.
Protein change: p.Ile432Val; replaces isoleucine 432 with valine.
Molecular consequence: missense variant.
Genome position (GRCh38, 1-based): chr3:53,092,533, T>C on the plus strand (A>G on the coding strand, the complement: RFT1 is on the minus strand). VCF-style: chr3-53092533-T-C. GRCh37 (hg19) VCF-style: chr3-53126549-T-C.
Other names: short protein forms I432V.
Identifiers: ClinVar variation 1902925 (VCV001902925.3), dbSNP rs1330325065, ClinGen allele CA353227038.